The following is an entry in ClinVar:

ClinVar aggregate classification (germline): Likely pathogenic (1 of 4 stars; one submission).

Conditions:
3-methylglutaconic aciduria type 1 (MGCA1). Identifiers: Orphanet 67046, MedGen C0342727, MONDO:0009610, OMIM 250950.

Submission:

Labcorp Genetics (formerly Invitae), Labcorp
Classification: Likely pathogenic for 3-methylglutaconic aciduria type 1. Last evaluated: 2022-08-01. Review status: criteria provided, single submitter. Criteria: Invitae Variant Classification Sherloc (09022015). Collection method: clinical testing. Allele origin: germline.
Comment: In summary, the currently available evidence indicates that the variant is pathogenic, but additional data are needed to prove that conclusively. Therefore, this variant has been classified as Likely Pathogenic. A similar copy number variant has been observed in individual(s) with 3-methylglutaconic aciduria (Invitae). In at least one individual the data is consistent with being in trans (on the opposite chromosome) from a pathogenic variant. This variant is a gross deletion of the genomic region encompassing exon(s) 2-3 of the AUH gene. This variant would be expected to be in-frame, preserving the integrity of the reading frame.

NC_000009.11:g.(?_94118145)_(94118457_?)del

Gene: AUH (AU RNA binding methylglutaconyl-CoA hydratase; minus strand). Cytogenetic location: 9q22.31.
Variant type: Deletion.
Identifiers: ClinVar variation 2424217 (VCV002424217.3).